The following is an entry in ClinVar:

NM_000277.3(PAH):c.1066-10_1070del

Gene: PAH (phenylalanine hydroxylase; minus strand). Cytogenetic location: 12q23.2.
Variant type: Deletion.
Coding change: c.1066-10_1070del on transcript NM_000277.3 (MANE Select); 10 bases into the intron before coding-DNA position 1066 through coding-DNA position 1070, 15 bases deleted (GGGCCTACAGTACTG).
Molecular consequence: splice acceptor variant.
Genome position (GRCh38, 1-based): chr12:102,843,775-102,843,789, CAGTACTGTAGGCCC deleted on the plus strand (GGGCCTACAGTACTG on the coding strand, the reverse complement: PAH is on the minus strand); deleting any 15 consecutive bases within chr12:102,843,775-102,843,791 gives the same sequence; the c. name uses the placement nearest the transcript's 3' end. VCF-style (leftmost placement, unchanged base first): chr12-102843774-GCAGTACTGTAGGCCC-G. GRCh37 (hg19) VCF-style: chr12-103237552-GCAGTACTGTAGGCCC-G.
Other names: c.1066-10_1070del (NM_001354304.2); c.1066-10_1070delGGGCCTACAGTACTG (NM_000277.1).
Identifiers: ClinVar variation 659449 (VCV000659449.7), dbSNP rs1592947582, ClinGen allele CA915946686.

ClinVar aggregate classification (germline): Likely pathogenic (1 of 4 stars; one submission).

Conditions:
Phenylketonuria (PKU). Also called: OLIGOPHRENIA PHENYLPYRUVICA; Phenylketonurias; FOLLING DISEASE; Phenylketonuria (PKU). Identifiers: Orphanet 716, MedGen C0031485, MONDO:0009861, OMIM 261600. Disease mechanism: loss of function.

Submission:

Labcorp Genetics (formerly Invitae), Labcorp
Classification: Likely pathogenic for Phenylketonuria. Last evaluated: 2018-08-17. Review status: criteria provided, single submitter. Criteria: Invitae Variant Classification Sherloc (09022015). Collection method: clinical testing. Allele origin: germline.
Comment: Algorithms developed to predict the effect of sequence changes on RNA splicing suggest that this variant may disrupt the consensus splice site, but this prediction has not been confirmed by published transcriptional studies. This variant is a deletion of the genomic region encompassing part of exon 11 (c.1066-10_1070del) of the PAH gene. It is expected to disrupt RNA splicing and likely results in an absent or disrupted protein product. This variant is not present in population databases (ExAC no frequency). This variant has not been reported in the literature in individuals with PAH-related disease. In summary, the currently available evidence indicates that the variant is pathogenic, but additional data are needed to prove that conclusively. Therefore, this variant has been classified as Likely Pathogenic. Donor and acceptor splice site variants typically lead to a loss of protein function (PMID: 16199547), and loss-of-function variants in DMD are known to be pathogenic (PMID: 16770791, 25007885).

Literature cited by the submitters: PubMed 16199547; PubMed 16770791; PubMed 25007885.